The following is an entry in ClinVar:

ClinVar aggregate classification (germline): Uncertain significance (1 of 4 stars; one submission).

Conditions:
Inborn genetic diseases. Identifiers: MedGen C0950123, MeSH D030342.

Allele frequency attached by ClinVar (database versions not stated): TOPMed below 0.00001; gnomAD 0.00001; gnomAD exomes 0.00006.
gnomAD v4.1: 88 of 1,539,840 alleles (0.0057%); highest among the groups gnomAD compares: Non-Finnish European, 0.0078%; no homozygotes.

Submission:

Ambry Genetics
Classification: Uncertain significance for Inborn genetic diseases. Last evaluated: 2021-02-26. Review status: criteria provided, single submitter. Criteria: Ambry Variant Classification Scheme 2023. Collection method: clinical testing. Allele origin: germline.
Comment: The c.1286A>G (p.Q429R) alteration is located in exon 9 (coding exon 9) of the PDE4D gene. This alteration results from a A to G substitution at nucleotide position 1286, causing the glutamine (Q) at amino acid position 429 to be replaced by an arginine (R). The in silico prediction for the p.Q429R alteration is inconclusive. Based on insufficient or conflicting evidence, the clinical significance of this alteration remains unclear.

NM_001104631.2(PDE4D):c.1286A>G (p.Gln429Arg)

Gene: PDE4D (phosphodiesterase 4D; minus strand). Cytogenetic location: 5q11.2.
Variant type: single nucleotide variant.
Coding change: c.1286A>G on transcript NM_001104631.2 (MANE Select); coding-DNA position 1286, A replaced by G.
Protein change: p.Gln429Arg; replaces glutamine 429 with arginine.
Molecular consequence: missense variant.
Genome position (GRCh38, 1-based): chr5:58,990,805, T>C on the plus strand (A>G on the coding strand, the complement: PDE4D is on the minus strand). VCF-style: chr5-58990805-T-C. GRCh37 (hg19) VCF-style: chr5-58286632-T-C.
Other names: c.1103A>G, p.Gln368Arg (NM_001165899.2, NM_001364599.1); c.1094A>G, p.Gln365Arg (NM_001197218.2); c.920A>G, p.Gln307Arg (NM_001197219.2); c.896A>G, p.Gln299Arg (NM_001197220.2); c.380A>G, p.Gln127Arg (NM_001197221.2, NM_001364603.1); c.614A>G, p.Gln205Arg (NM_001197222.2); c.413A>G, p.Gln138Arg (NM_001197223.2); c.1073A>G, p.Gln358Arg (NM_001349241.2); and 3 more; short protein forms Q173R, Q138R, Q299R, Q319R, Q368R, Q205R, Q429R, Q127R.
Identifiers: ClinVar variation 2229277 (VCV002229277.2), dbSNP rs1196836267, ClinGen allele CA359817319.